The following is an entry in ClinVar:

ClinVar aggregate classification (germline): Likely pathogenic. Review status: criteria provided, multiple submitters, no conflicts (2 of 4 stars). 2 submissions from 2 submitters: Likely pathogenic (2). Last evaluated 2025-08-01.

Conditions:
WDR81-related disorder. Also called: WDR81-related condition.

Submissions (2):

PreventionGenetics, part of Exact Sciences
Classification: Likely pathogenic for WDR81-related condition. Last evaluated: 2025-08-01. Review status: criteria provided, single submitter. Criteria: ACMG Guidelines, 2015. Collection method: clinical testing. Allele origin: germline.
Comment: The WDR81 c.2292_2309del18 variant is predicted to result in an in-frame deletion (p.Gln764_Asp770delinsHis). This variant has been reported in the homozygous state in an individual with seizures, dysmorphic features, hydrocephalus, brainstem malformation, and intracranial hemorrhage (Table S1, D'Gama et al. 2022. PubMed ID: 36064943). This variant is absent in a large population database (gnomAD), indicating this variant is rare. This variant is interpreted as likely pathogenic.

GeneDx
Classification: Likely pathogenic. Last evaluated: 2024-01-27. Review status: criteria provided, single submitter. Criteria: GeneDx Variant Classification Process June 2021. Collection method: clinical testing. Allele origin: germline. Affected: yes.
Comment: In-frame deletion of 7 amino acids and insertion of 1 incorrect amino acid in a non-repeat region; In silico analysis, which includes protein predictors and evolutionary conservation, supports a deleterious effect; Not observed at significant frequency in large population cohorts (gnomAD); This variant is associated with the following publications: (PMID: 36064943)

NM_001163809.2(WDR81):c.2292_2309del (p.Gln764_Asp770delinsHis)

Gene: WDR81 (WD repeat domain 81; plus strand). Cytogenetic location: 17p13.3.
Variant type: Deletion.
Coding change: c.2292_2309del on transcript NM_001163809.2 (MANE Select); coding-DNA positions 2292 to 2309, 18 bases deleted (GTGCCTACTCCACAGGGA).
Protein change: p.Gln764_Asp770delinsHis.
Molecular consequence: inframe indel. On other transcripts: intron variant (3).
Genome position (GRCh38, 1-based): chr17:1,727,251-1,727,268, GTGCCTACTCCACAGGGA deleted; deleting any 18 consecutive bases within chr17:1,727,250-1,727,268 gives the same sequence; the c. name uses the placement nearest the transcript's 3' end. VCF-style (leftmost placement, unchanged base first): chr17-1727249-CAGTGCCTACTCCACAGGG-C. GRCh37 (hg19) VCF-style: chr17-1630543-CAGTGCCTACTCCACAGGG-C.
Other names: c.-123-739_-123-722del (NM_152348.4); c.59-3129_59-3112del (NM_001163673.2); c.-15+2465_-15+2482del (NM_001163811.2); c.2292_2309del18 (NM_001163809.1).
Identifiers: ClinVar variation 3340764 (VCV003340764.2).